The following is an entry in ClinVar:

ClinVar aggregate classification (germline): Pathogenic (1 of 4 stars; one submission).

Conditions:
Partial hypoxanthine-guanine phosphoribosyltransferase deficiency. Also called: GOUT, HPRT-RELATED; HPRT DEFICIENCY, PARTIAL; HYPOXANTHINE GUANINE PHOSPHORIBOSYLTRANSFERASE 1 DEFICIENCY, PARTIAL; Kelley-Seegmiller Syndrome; HPRT1 DEFICIENCY, PARTIAL. Identifiers: Orphanet 79233, MedGen C0268117, MONDO:0010299, OMIM 300323.
Lesch-Nyhan syndrome (LNS). Also called: Lesch-Nyhan Disease (LND); HPRT DEFICIENCY, COMPLETE. Identifiers: Orphanet 510, MedGen C0023374, MONDO:0010298, OMIM 300322.

Submission:

Labcorp Genetics (formerly Invitae), Labcorp
Classification: Pathogenic for Lesch-Nyhan syndrome; Partial hypoxanthine-guanine phosphoribosyltransferase deficiency. Last evaluated: 2025-01-30. Review status: criteria provided, single submitter. Criteria: Invitae Variant Classification Sherloc (09022015). Collection method: clinical testing. Allele origin: germline.
Comment: This sequence change affects an acceptor splice site in intron 4 of the HPRT1 gene. It is expected to disrupt RNA splicing. Variants that disrupt the donor or acceptor splice site typically lead to a loss of protein function (PMID: 16199547), and loss-of-function variants in HPRT1 are known to be pathogenic (PMID: 15571220, 17027311, 22157001). This variant is not present in population databases (gnomAD no frequency). Disruption of this splice site has been observed in individual(s) with clinical features of Lesch-Nyhan syndrome (PMID: 15571220, 20544510; internal data). This variant is also known as c.552-2 A>G. Studies have shown that disruption of this splice site is associated with inconclusive levels of altered splicing (PMID: 20544510). For these reasons, this variant has been classified as Pathogenic.

Literature cited by the submitters: PubMed 16199547; PubMed 15571220; PubMed 17027311; PubMed 22157001; PubMed 20544510.

NM_000194.3(HPRT1):c.385-2A>G

Gene: HPRT1 (hypoxanthine phosphoribosyltransferase 1; plus strand). Cytogenetic location: Xq26.2.
Variant type: single nucleotide variant.
Coding change: c.385-2A>G on transcript NM_000194.3 (MANE Select); the canonical splice acceptor site of the intron before coding-DNA position 385, A replaced by G.
Molecular consequence: splice acceptor variant.
Genome position (GRCh38, 1-based): chrX:134,490,186, A>G. VCF-style: chrX-134490186-A-G. GRCh37 (hg19) VCF-style: chrX-133624216-A-G.
Identifiers: ClinVar variation 3759675 (VCV003759675.2).